The following is an entry in ClinVar:

NC_000001.10:g.(?_216138639)_(216173924_?)del

Gene: USH2A (usherin; minus strand). Cytogenetic location: 1q41.
Variant type: Deletion.
Identifiers: ClinVar variation 1459989 (VCV001459989.4).

ClinVar aggregate classification (germline): Pathogenic (1 of 4 stars; one submission).

Submission:

Labcorp Genetics (formerly Invitae), Labcorp
Classification: Pathogenic. Last evaluated: 2023-09-03. Review status: criteria provided, single submitter. Criteria: Invitae Variant Classification Sherloc (09022015). Collection method: clinical testing. Allele origin: germline.
Comment: This variant is a gross deletion of the genomic region encompassing exon(s) 33-37 of the USH2A gene. This variant would be expected to be in-frame, preserving the integrity of the reading frame. This variant has not been reported in the literature in individuals affected with USH2A-related conditions. This variant disrupts a region of the USH2A protein in which other variant(s) (p.Gly2313) have been determined to be pathogenic (PMID: 26261414, 26306921, 27032803, 28981474; Invitae). This suggests that this is a clinically significant region of the protein, and that variants that disrupt it are likely to be disease-causing. For these reasons, this variant has been classified as Pathogenic.

Literature cited by the submitters: PubMed 26261414; PubMed 26306921; PubMed 27032803; PubMed 28981474.